The following is an entry in ClinVar:

NM_001040108.2(MLH3):c.1467dup (p.Ser490fs)

Gene: MLH3 (mutL homolog 3; minus strand). Cytogenetic location: 14q24.3.
Variant type: Duplication.
Coding change: c.1467dup on transcript NM_001040108.2 (MANE Select); coding-DNA position 1467, one base duplicated (A; older notation c.1467dupA).
Protein change: p.Ser490fs; shifts the reading frame from serine 490.
Molecular consequence: frameshift variant.
Genome position (GRCh38, 1-based): chr14:75,048,189, T duplicated on the plus strand (A on the coding strand, the reverse complement: MLH3 is on the minus strand); the first of 6 consecutive T bases (chr14:75,048,189-75,048,194); duplicating any one gives the same sequence. VCF-style (leftmost placement, unchanged base first): chr14-75048188-A-AT. GRCh37 (hg19) VCF-style: chr14-75514891-A-AT.
Other names: c.1467dup, p.Ser490fs (NM_014381.3); c.1467dupA (NM_001040108.1); short protein forms S490fs.
Identifiers: ClinVar variation 956218 (VCV000956218.9), dbSNP rs1555345796, ClinGen allele CA390445481.

ClinVar aggregate classification (germline): Conflicting classifications of pathogenicity. Review status: criteria provided, conflicting classifications (1 of 4 stars). 2 submissions from 2 submitters: Pathogenic (1); Uncertain significance (1). Last evaluated 2026-08-11.

Conditions:
Hereditary nonpolyposis colorectal neoplasms. Identifiers: MedGen C0009405, MeSH D003123.
Colorectal cancer, hereditary nonpolyposis, type 7. Identifiers: Orphanet 144, MedGen C1858380, MONDO:0013725, OMIM 614385.

Submissions (2):

Ambry Genetics
Classification: Pathogenic. Last evaluated: 2026-08-11. Review status: criteria provided, single submitter. Criteria: Ambry Variant Classification Scheme 2023. Collection method: clinical testing. Allele origin: germline.
Comment: The c.1467dupA pathogenic mutation, located in coding exon 1 of the MLH3 gene, results from a duplication of A at nucleotide position 1467, causing a translational frameshift with a predicted alternate stop codon (p.S490Ifs*6). This variant is expected to result in loss of function by premature protein truncation or nonsense-mediated mRNA decay. As such, this variant is interpreted as a disease-causing mutation.

Labcorp Genetics (formerly Invitae), Labcorp
Classification: Uncertain significance for Colorectal cancer, hereditary nonpolyposis, type 7. Last evaluated: 2025-08-06. Review status: criteria provided, single submitter. Criteria: Invitae Variant Classification Sherloc (09022015). Collection method: clinical testing. Allele origin: germline.
Comment: This sequence change creates a premature translational stop signal (p.Ser490Ilefs*6) in the MLH3 gene. It is expected to result in an absent or disrupted protein product. However, the current clinical and genetic evidence is not sufficient to establish whether loss-of-function variants in MLH3 cause disease. This variant is not present in population databases (gnomAD no frequency). This variant has not been reported in the literature in individuals affected with MLH3-related conditions. ClinVar contains an entry for this variant (Variation ID: 956218). In summary, the available evidence is currently insufficient to determine the role of this variant in disease. Therefore, it has been classified as a Variant of Uncertain Significance.